The following is an entry in ClinVar:

ClinVar aggregate classification (germline): Pathogenic (1 of 4 stars; one submission).

Conditions:
Microcephaly 18, primary, autosomal dominant (MCPH18). Identifiers: MedGen C4479608, MONDO:0054593, OMIM 617520.

Submission:

Molecular Medicine, University of Pavia
Classification: Pathogenic for Microcephaly 18, primary, autosomal dominant. Last evaluated: 2026-11-07. Review status: criteria provided, single submitter. Criteria: ACMG Guidelines, 2015. Collection method: clinical testing. Allele origin: de novo. Affected: yes. Observed: 1 variant allele, 1 heterozygote.
Comment: The variant was absent from the gnomAD population database and was classified as Pathogenic according to the ACMG/AMP guidelines, based on the criteria PVS1, PS2 and PM2.

NM_014991.6(WDFY3):c.7997C>G (p.Ser2666Ter)

Gene: WDFY3 (WD repeat and FYVE domain containing 3; minus strand). Cytogenetic location: 4q21.23.
Variant type: single nucleotide variant.
Coding change: c.7997C>G on transcript NM_014991.6 (MANE Select); coding-DNA position 7997, C replaced by G.
Protein change: p.Ser2666Ter; replaces serine 2666 with a stop codon.
Molecular consequence: nonsense.
Genome position (GRCh38, 1-based): chr4:84,713,204, G>C on the plus strand (C>G on the coding strand, the complement: WDFY3 is on the minus strand). VCF-style: chr4-84713204-G-C. GRCh37 (hg19) VCF-style: chr4-85634357-G-C.
Other names: short protein forms S2666*.
Identifiers: ClinVar variation 5042715 (VCV005042715.1).